The following is an entry in ClinVar:

NC_000011.10:g.119095811C>T

Genes: DPAGT1 (dolichyl-phosphate N-acetylglucosaminephosphotransferase 1; minus strand), H2AX (H2A.X variant histone; minus strand). Cytogenetic location: 11q23.3.
Variant type: single nucleotide variant.
Genome position: GRCh38 VCF-style: chr11-119095811-C-T. GRCh37 (hg19) VCF-style: chr11-118966521-C-T.
Identifiers: ClinVar variation 1296893 (VCV001296893.3), dbSNP rs2509049, ClinGen allele CA13399233.

ClinVar aggregate classification (germline): Benign (1 of 4 stars; one submission).

Allele frequency attached by ClinVar (database versions not stated): TOPMed 0.37602; gnomAD 0.37763; 1000 Genomes Project 30x 0.41864; 1000 Genomes Project 0.42652.
gnomAD v4.1: 58,547 of 151,744 alleles (39%); highest among the groups gnomAD compares: East Asian, 64%; 11,878 homozygotes.

Submission:

GeneDx
Classification: Benign. Last evaluated: 2019-01-18. Review status: criteria provided, single submitter. Criteria: GeneDx Variant Classification Process June 2021. Collection method: clinical testing. Allele origin: germline. Affected: yes.
Comment: This variant is associated with the following publications: (PMID: 25847270, 29678143)